The following is an entry in ClinVar:

NM_001261826.3(AP3D1):c.2986-31_2986-12del

Gene: AP3D1 (adaptor related protein complex 3 subunit delta 1; minus strand). Cytogenetic location: 19p13.3.
Variant type: Deletion.
Coding change: c.2986-31_2986-12del on transcript NM_001261826.3 (MANE Select); 31 bases into the intron before coding-DNA position 2986 through 12 bases into the intron before coding-DNA position 2986, 20 bases deleted (CTGCCCTGCTAACACTGGCC).
Molecular consequence: intron variant.
Genome position (GRCh38, 1-based): chr19:2,110,908-2,110,927, GGCCAGTGTTAGCAGGGCAG deleted on the plus strand (CTGCCCTGCTAACACTGGCC on the coding strand, the reverse complement: AP3D1 is on the minus strand); deleting any 20 consecutive bases within chr19:2,110,908-2,110,928 gives the same sequence; the c. name uses the placement nearest the transcript's 3' end. VCF-style (leftmost placement, unchanged base first): chr19-2110907-TGGCCAGTGTTAGCAGGGCAG-T. GRCh37 (hg19) VCF-style: chr19-2110906-TGGCCAGTGTTAGCAGGGCAG-T.
Other names: c.2800-31_2800-12del (NM_003938.8); c.2950-31_2950-12del (NM_001374799.1).
Identifiers: ClinVar variation 4724830 (VCV004724830.1).

ClinVar aggregate classification (germline): Uncertain significance (1 of 4 stars; one submission).

Submission:

Labcorp Genetics (formerly Invitae), Labcorp
Classification: Uncertain significance. Last evaluated: 2025-08-04. Review status: criteria provided, single submitter. Criteria: Invitae Variant Classification Sherloc (09022015). Collection method: clinical testing. Allele origin: germline.
Comment: This sequence change falls in intron 26 of the AP3D1 gene. It does not directly change the encoded amino acid sequence of the AP3D1 protein. This variant is not present in population databases (gnomAD no frequency). This variant has not been reported in the literature in individuals affected with AP3D1-related conditions. Experimental studies and prediction algorithms are not available or were not evaluated, and the effect of this variant on mRNA splicing is currently unknown. In summary, the available evidence is currently insufficient to determine the role of this variant in disease. Therefore, it has been classified as a Variant of Uncertain Significance.